The following is an entry in ClinVar:

NM_017838.4(NHP2):c.289_290del (p.Met97fs)

Gene: NHP2 (NHP2 ribonucleoprotein; minus strand). Cytogenetic location: 5q35.3.
Variant type: Deletion.
Coding change: c.289_290del on transcript NM_017838.4 (MANE Select); coding-DNA positions 289 to 290, 2 bases deleted (AT; older notation c.289_290delAT).
Protein change: p.Met97fs; shifts the reading frame from methionine 97.
Molecular consequence: frameshift variant. On other transcripts: intron variant (1).
Genome position (GRCh38, 1-based): chr5:178,150,934-178,150,935, AT deleted on the plus strand (AT on the coding strand, the reverse complement: NHP2 is on the minus strand). VCF-style (leftmost placement, unchanged base first): chr5-178150933-CAT-C. GRCh37 (hg19) VCF-style: chr5-177577934-CAT-C.
Other names: c.289_290delAT (NM_017838.3); c.231-1097_231-1096del (NM_001034833.2); short protein forms M97fs.
Identifiers: ClinVar variation 965425 (VCV000965425.12), dbSNP rs762821341, ClinGen allele CA3589188.

ClinVar aggregate classification (germline): Uncertain significance. Review status: criteria provided, multiple submitters, no conflicts (2 of 4 stars). 7 submissions from 7 submitters: Uncertain significance (6). 1 of the submissions does not count toward it. Last evaluated 2025-04-30.

Conditions:
Dyskeratosis congenita, autosomal recessive 2 (DKCB2). Identifiers: Orphanet 1775, MedGen C3151441, MONDO:0013519, OMIM 613987.
Dyskeratosis congenita. Identifiers: Orphanet 1775, MedGen C0265965, MONDO:0015780.

Allele frequency attached by ClinVar (database versions not stated): gnomAD 0.00002; ExAC 0.00005; TOPMed 0.00005; gnomAD exomes 0.00006 and 0.00010.

Submissions (7):

Labcorp Genetics (formerly Invitae), Labcorp
Classification: Uncertain significance for Dyskeratosis congenita. Last evaluated: 2025-04-30. Review status: criteria provided, single submitter. Criteria: Invitae Variant Classification Sherloc (09022015). Collection method: clinical testing. Allele origin: germline.
Comment: This sequence change creates a premature translational stop signal (p.Met97Valfs*2) in the NHP2 gene. While this is not anticipated to result in nonsense mediated decay, it is expected to disrupt the last 57 amino acid(s) of the NHP2 protein. This variant is present in population databases (rs762821341, gnomAD 0.02%). This premature translational stop signal has been observed in individual(s) with clinical features compatible with a telomere biology disorder (PMID: 31985013). ClinVar contains an entry for this variant (Variation ID: 965425). Experimental studies and prediction algorithms are not available or were not evaluated, and the functional significance of this variant is currently unknown. In summary, the available evidence is currently insufficient to determine the role of this variant in disease. Therefore, it has been classified as a Variant of Uncertain Significance.

St. Jude Molecular Pathology, St. Jude Children's Research Hospital
Classification: Uncertain significance for Dyskeratosis congenita, autosomal recessive 2. Last evaluated: 2025-02-05. Review status: criteria provided, single submitter. Criteria: St. Jude Assertion Criteria 2020. Collection method: clinical testing. Allele origin: germline.
Comment: The NHP2 c.289_290del p.(Met97ValfsTer2) change deletes two nucleotides and causes a frameshift and the creation of a premature stop codon. It is not expected to result in nonsense mediated decay. This variant has been reported in the heterozygous state in individuals with pulmonary fibrosis and shortened telomeres in which no other causal variant was identified (PMID: 31985013). Functional studies performed using patient-derived cells demonstrated an altered pre-rRNA profile suggesting a processing defect, but no reduction in snoRNA levels (PMID: 31985013). This variant has a maximum subpopulation frequency of 0.025% in gnomAD v2.1.1. In summary, the evidence currently available is insufficient to determine the clinical significance of this variant. It has therefore been classified as of uncertain significance.

Blueprint Genetics
Classification: Uncertain significance. Last evaluated: 2024-09-23. Review status: criteria provided, single submitter. Criteria: ACMG Guidelines, 2015. Collection method: clinical testing. Allele origin: germline.

GeneDx
Classification: Uncertain significance. Last evaluated: 2022-05-13. Review status: criteria provided, single submitter. Criteria: GeneDx Variant Classification Process June 2021. Collection method: clinical testing. Allele origin: germline. Affected: yes.
Comment: Frameshift variant predicted to result in protein truncation as the last 57 amino acids are replaced with 1 different amino acid, although loss-of-function variants have not been reported downstream of this position in the protein; Observed in the heterozygous state in two individuals with pulmonary fibrosis and shortened telomeres (Benyelles et al., 2020); Published functional studies in cells from one patient demonstrated an altered pre-rRNA profile suggesting a processing defect, but no reduction in snoRNA levels (Benyelles et al., 2020); This variant is associated with the following publications: (PMID: 31985013)

Sema4
Classification: Uncertain significance for Dyskeratosis congenita. Last evaluated: 2021-05-18. Review status: criteria provided, single submitter. Criteria: Sema4 Curation Guidelines. Collection method: curation. Allele origin: germline.
Comment: The NHP2 c.289_290delAT (p.M97Vfs*2) variant has been reported as heterozygous without secondary variant found in trans in two probands: one with idiopathic pulmonary fibrosis and myelodysplasia, another one with pneumoconiosis (PMID: 31985013). This variant is located in the last exon and not predicted to cause nonsense-mediated decay; however, the protein product is expected to be truncated with last 15 amino acids missing. Functional studies and prediction algorithms are not available for this deletion, and the functional impact of this variant is unknown. This variant was observed in 9/35440 chromosomes in the Latino population, according to the Genome Aggregation Database (PMID: 32461654) and has been reported in ClinVar (Variation ID 965425). Based on the current evidence available, this variant is interpreted as a variant of uncertain significance.

Breakthrough Genomics
Classification: Uncertain significance. Review status: criteria provided, single submitter. Criteria: ACMG Guidelines, 2015. Collection method: not provided. Allele origin: germline. Inheritance: Autosomal recessive inheritance. Affected: yes.

Genetic Services Laboratory, University of Chicago
Classification: Uncertain significance. Last evaluated: 2022-04-15. Review status: no assertion criteria provided. Collection method: clinical testing. Allele origin: germline. Affected: no. Not counted in ClinVar's aggregate classification.
Comment: DNA sequence analysis of the NHP2 gene demonstrated a two base pair deletion in exon 3, c.289_290del. This sequence change results in an amino acid frameshift and creates a premature stop codon two amino acids downstream of the change, p.Met97Valfs*2. This sequence change is predicted to result in an abnormal transcript, but may not undergo nonsense mediated decay. This deletion does not appear to have been previously described in individuals with NHP2-related disorders. This sequence change has been described in the gnomAD database with a frequency of 0.025% in the Latino/Admixed American subpopulation (dbSNP rs762821341). The functional significance of this sequence change is not known at present and its contribution to this individual's disease phenotype cannot definitively be determined.

Literature cited by the submitters: PubMed 31985013 (cited by Labcorp Genetics (formerly Invitae), Labcorp and Sema4).